The following is an entry in ClinVar:

ClinVar aggregate classification (germline): Uncertain significance (1 of 4 stars; one submission).

Conditions:
Oligodontia-cancer predisposition syndrome. Also called: TOOTH AGENESIS-COLORECTAL CANCER SYNDROME. Identifiers: Orphanet 300576, MedGen C1837750, MONDO:0012075, OMIM 608615. Disease mechanism: loss of function.

Submission:

Labcorp Genetics (formerly Invitae), Labcorp
Classification: Uncertain significance for Oligodontia-cancer predisposition syndrome. Last evaluated: 2022-04-16. Review status: criteria provided, single submitter. Criteria: Invitae Variant Classification Sherloc (09022015). Collection method: clinical testing. Allele origin: germline.
Comment: This variant is not present in population databases (gnomAD no frequency). This sequence change replaces serine, which is neutral and polar, with proline, which is neutral and non-polar, at codon 553 of the AXIN2 protein (p.Ser553Pro). This variant has not been reported in the literature in individuals affected with AXIN2-related conditions. Algorithms developed to predict the effect of missense changes on protein structure and function output the following: SIFT: "Tolerated"; PolyPhen-2: "Benign"; Align-GVGD: "Class C0". The proline amino acid residue is found in multiple mammalian species, which suggests that this missense change does not adversely affect protein function. In summary, the available evidence is currently insufficient to determine the role of this variant in disease. Therefore, it has been classified as a Variant of Uncertain Significance.

NM_004655.4(AXIN2):c.1657T>C (p.Ser553Pro)

Gene: AXIN2 (axin 2; minus strand). Cytogenetic location: 17q24.1.
Variant type: single nucleotide variant.
Coding change: c.1657T>C on transcript NM_004655.4 (MANE Select); coding-DNA position 1657, T replaced by C.
Protein change: p.Ser553Pro; replaces serine 553 with proline.
Molecular consequence: missense variant.
Genome position (GRCh38, 1-based): chr17:65,537,379, A>G on the plus strand (T>C on the coding strand, the complement: AXIN2 is on the minus strand). VCF-style: chr17-65537379-A-G. GRCh37 (hg19) VCF-style: chr17-63533497-A-G.
Other names: c.1657T>C, p.Ser553Pro (NM_001363813.1); short protein forms S553P.
Identifiers: ClinVar variation 2126809 (VCV002126809.4), dbSNP rs2509411560, ClinGen allele CA400676967.